The following is an entry in ClinVar:

NM_007294.4(BRCA1):c.948C>G (p.Ser316Arg)

Gene: BRCA1 (BRCA1 DNA repair associated; minus strand). Cytogenetic location: 17q21.31.
Variant type: single nucleotide variant.
Coding change: c.948C>G on transcript NM_007294.4 (MANE Select); coding-DNA position 948, C replaced by G.
Protein change: p.Ser316Arg; replaces serine 316 with arginine.
Molecular consequence: missense variant. On other transcripts: intron variant (137).
Genome position (GRCh38, 1-based): chr17:43,094,583, G>C on the plus strand (C>G on the coding strand, the complement: BRCA1 is on the minus strand). VCF-style: chr17-43094583-G-C. GRCh37 (hg19) VCF-style: chr17-41246600-G-C.
Other names: c.735C>G, p.Ser245Arg (NM_001407571.1, NM_001407915.1, NM_001407853.1 and 9 more transcripts); c.948C>G, p.Ser316Arg (NM_001407581.1, NM_001407582.1, NM_001407583.1 and 30 more transcripts); c.945C>G, p.Ser315Arg (NM_001407587.1, NM_001407590.1, NM_001407591.1 and 22 more transcripts); c.822C>G, p.Ser274Arg (NM_001407649.1, NM_001407670.1, NM_001407671.1 and 11 more transcripts); c.870C>G, p.Ser290Arg (NM_001407653.1, NM_001407654.1, NM_001407655.1 and 4 more transcripts); c.867C>G, p.Ser289Arg (NM_001407659.1, NM_001407660.1, NM_001407661.1 and 1 more transcripts); c.825C>G, p.Ser275Arg (NM_001407674.1, NM_001407675.1, NM_001407676.1 and 19 more transcripts); c.807C>G, p.Ser269Arg (NM_001407692.1, NM_001407694.1, NM_001407695.1 and 29 more transcripts); and 40 more; short protein forms S316R, S269R, S148R, S188R, S20R, S227R, S228R, S246R.
Identifiers: ClinVar variation 482897 (VCV000482897.36), dbSNP rs1555592782, ClinGen allele CA10600171.

ClinVar aggregate classification (germline): Conflicting classifications of pathogenicity. Review status: criteria provided, conflicting classifications (1 of 4 stars). 7 submissions from 7 submitters: Uncertain significance (5); Likely benign (2). Last evaluated 2025-12-28.

Conditions:
Hereditary cancer-predisposing syndrome. Also called: Tumor predisposition; Hereditary Cancer Syndrome; Hereditary neoplastic syndrome; Neoplastic Syndromes, Hereditary. Identifiers: Orphanet 140162, MedGen C0027672, MeSH D009386, MONDO:0015356.
Hereditary breast ovarian cancer syndrome. Also called: Breast and ovarian cancer; Hereditary breast and/or ovarian cancer syndrome; BRCA1- and BRCA2-Associated Hereditary Breast and Ovarian Cancer; Hereditary breast and ovarian cancer syndrome; Hereditary breast and ovarian cancer syndrome (HBOC); Hereditary breast and ovarian cancer. Identifiers: Orphanet 145, MedGen C0677776, MeSH D061325, MONDO:0003582. Disease mechanism: loss of function.
Breast-ovarian cancer, familial, susceptibility to, 1 (BROVCA1). Also called: BRCA1 Hereditary Breast and Ovarian Cancer; OVARIAN CANCER, SUSCEPTIBILITY TO. Identifiers: Orphanet 145, MedGen C2676676, MONDO:0011450, OMIM 604370. Disease mechanism: loss of function.
Fanconi anemia, complementation group S (FANCS). Identifiers: MedGen C4554406, MONDO:0054748, OMIM 617883.

Submissions (7):

Labcorp Genetics (formerly Invitae), Labcorp
Classification: Uncertain significance for Hereditary breast ovarian cancer syndrome. Last evaluated: 2025-12-28. Review status: criteria provided, single submitter. Criteria: Invitae Variant Classification Sherloc (09022015). Collection method: clinical testing. Allele origin: germline.
Comment: This sequence change replaces serine, which is neutral and polar, with arginine, which is basic and polar, at codon 316 of the BRCA1 protein (p.Ser316Arg). This variant is not present in population databases (gnomAD no frequency). This missense change has been observed in individual(s) with breast cancer (PMID: 20104584). ClinVar contains an entry for this variant (Variation ID: 482897). Invitae Evidence Modeling of protein sequence and biophysical properties (such as structural, functional, and spatial information, amino acid conservation, physicochemical variation, residue mobility, and thermodynamic stability) indicates that this missense variant is not expected to disrupt BRCA1 protein function with a negative predictive value of 80%. In summary, the available evidence is currently insufficient to determine the role of this variant in disease. Therefore, it has been classified as a Variant of Uncertain Significance.

Ambry Genetics
Classification: Uncertain significance for Hereditary cancer-predisposing syndrome. Last evaluated: 2025-04-25. Review status: criteria provided, single submitter. Criteria: Ambry Variant Classification Scheme 2023. Collection method: clinical testing. Allele origin: germline.
Comment: The p.S316R variant (also known as c.948C>G), located in coding exon 9 of the BRCA1 gene, results from a C to G substitution at nucleotide position 948. The serine at codon 316 is replaced by arginine, an amino acid with dissimilar properties. This amino acid position is highly conserved in available vertebrate species. In addition, this alteration is predicted to be deleterious by in silico analysis. Since supporting evidence is limited at this time, the clinical significance of this alteration remains unclear.

Department of Pathology and Laboratory Medicine, Sinai Health System
Classification: Likely benign for Fanconi anemia, complementation group S. Last evaluated: 2024-12-06. Review status: criteria provided, single submitter. Criteria: ACMG Guidelines, 2015. Collection method: clinical testing. Allele origin: germline.

All of Us Research Program, National Institutes of Health
Classification: Uncertain significance for Breast-ovarian cancer, familial, susceptibility to, 1. Last evaluated: 2023-11-02. Review status: criteria provided, single submitter. Criteria: ACMG Guidelines, 2015. Collection method: clinical testing. Allele origin: germline. Inheritance: Autosomal dominant inheritance. Observed: 1 variant allele, 1 heterozygote.
Comment: This variant is located in the BRCA1 protein. Computational prediction suggests that this variant may have deleterious impact on protein structure and function (internally defined REVEL score threshold >= 0.7, PMID: 27666373). To our knowledge, functional studies have not been reported for this variant. This variant has been reported in an individual affected with breast cancer (PMID: 20104584). This variant has not been identified in the general population by the Genome Aggregation Database (gnomAD). The available evidence is insufficient to determine the role of this variant in disease conclusively. Therefore, this variant is classified as a Variant of Uncertain Significance.

This study involves interpretation of variants in research participants for the purpose of population health screening. Participant phenotype was not available at the time of variant classification. Additional details can be found in publication PMID: 35346344, PMCID: PMC8962531

Color Diagnostics, LLC DBA Color Health
Classification: Uncertain significance for Hereditary cancer-predisposing syndrome. Last evaluated: 2023-10-10. Review status: criteria provided, single submitter. Criteria: ACMG Guidelines, 2015. Collection method: clinical testing. Allele origin: germline.
Comment: This variant is located in the BRCA1 protein. Computational prediction suggests that this variant may have deleterious impact on protein structure and function (internally defined REVEL score threshold >= 0.7, PMID: 27666373). To our knowledge, functional studies have not been reported for this variant. This variant has been reported in an individual affected with breast cancer (PMID: 20104584). This variant has not been identified in the general population by the Genome Aggregation Database (gnomAD). The available evidence is insufficient to determine the role of this variant in disease conclusively. Therefore, this variant is classified as a Variant of Uncertain Significance.

University of Washington Department of Laboratory Medicine, University of Washington
Classification: Likely benign for Hereditary cancer-predisposing syndrome. Last evaluated: 2023-03-23. Review status: criteria provided, single submitter. Criteria: Dines et al. (Genet Med. 2020). Collection method: curation. Allele origin: germline.
Comment: Missense variant in a coldspot region where missense variants are very unlikely to be pathogenic (PMID:31911673).

BRCA1 coldspot (exon 11 using historical exon numbering). Reclassification based on statistical prior probability

GeneDx
Classification: Uncertain significance. Last evaluated: 2019-04-12. Review status: criteria provided, single submitter. Criteria: GeneDx Variant Classification Process June 2021. Collection method: clinical testing. Allele origin: germline. Affected: yes.
Comment: Not observed in large population cohorts (Lek et al., 2016); This variant is associated with the following publications: (PMID: 20104584)

Literature cited by the submitters: PubMed 20104584 (cited by 4 submitters).